The following is an entry in ClinVar:

NM_001349338.3(FOXP1):c.1078_1079del (p.Glu360fs)

Gene: FOXP1 (forkhead box P1; minus strand). Cytogenetic location: 3p13.
Variant type: Deletion.
Coding change: c.1078_1079del on transcript NM_001349338.3 (MANE Select); coding-DNA positions 1078 to 1079, 2 bases deleted (GA; older notation c.1078_1079delGA).
Protein change: p.Glu360fs; shifts the reading frame from glutamic acid 360.
Molecular consequence: frameshift variant. On other transcripts: non-coding transcript variant (2).
Genome position (GRCh38, 1-based): chr3:70,988,061-70,988,062, TC deleted on the plus strand (GA on the coding strand, the reverse complement: FOXP1 is on the minus strand); deleting any 2 consecutive bases within chr3:70,988,061-70,988,063 gives the same sequence; the c. name uses the placement nearest the transcript's 3' end. VCF-style (leftmost placement, unchanged base first): chr3-70988060-TTC-T. GRCh37 (hg19) VCF-style: chr3-71037211-TTC-T.
Other names: c.1078_1079del, p.Glu360fs (NM_001244808.3, NM_001244810.2, NM_001244814.3 and 3 more transcripts); c.850_851del, p.Glu284fs (NM_001244812.3); c.778_779del, p.Glu260fs (NM_001244813.3, NM_001244815.2, NM_001349342.3 and 1 more transcripts); c.775_776del, p.Glu259fs (NM_001349337.2, NM_001349343.3, NM_001349344.3); c.1077_1078delAG, p.Glu360Thrfs (NM_001349339.1); c.1075_1076del, p.Glu359fs (NM_001349341.3); short protein forms E259fs, E260fs, E284fs, E359fs, E360fs.
Identifiers: ClinVar variation 1705946 (VCV001705946.2), dbSNP rs2545265597, ClinGen allele CA2580070409.

ClinVar aggregate classification (germline): Likely pathogenic (1 of 4 stars; one submission).

Conditions:
Intellectual disability-severe speech delay-mild dysmorphism syndrome (IDDLA). Also called: Mental retardation with language impairment and autistic features; Intellectual developmental disorder with language impairment AND with or without autistic features; FOXP1 Syndrome. Identifiers: Orphanet 391372, MedGen C4013764, MONDO:0013352, OMIM 613670.

Submission:

Institute of Human Genetics, University of Goettingen
Classification: Likely pathogenic for Intellectual disability-severe speech delay-mild dysmorphism syndrome. Last evaluated: 2022-09-12. Review status: criteria provided, single submitter. Criteria: ACMG Guidelines, 2015. Collection method: clinical testing. Allele origin: unknown. Inheritance: Sporadic. Affected: yes. Observed: 1 heterozygote.
Comment: The variant c.1078_1079del (p.(Glu360Thrfs*100)) in exon 14 of the FOXP1 gene is not found in the gnomAD database and it creates a frame shift starting at codon Glu360. The new reading frame ends in a STOP codon at position 100. ACMG criteria used for classification: PVS1, PM2.